The following is an entry in ClinVar:

NM_001267550.2(TTN):c.66463+4dup

Genes: TTN-AS1 (TTN antisense RNA 1; plus strand), TTN (titin; minus strand). Cytogenetic location: 2q31.2.
Variant type: Duplication.
Coding change: c.66463+4dup on transcript NM_001267550.2 (MANE Select); 4 bases into the intron after coding-DNA position 66463, one base duplicated (A; older notation c.66463+4dupA).
Molecular consequence: intron variant.
Genome position (GRCh38, 1-based): chr2:178,581,902, T duplicated on the plus strand (A on the coding strand, the reverse complement: TTN is on the minus strand); the first of 2 consecutive T bases (chr2:178,581,902-178,581,903); duplicating either gives the same sequence. VCF-style (leftmost placement, unchanged base first): chr2-178581901-C-CT. GRCh37 (hg19) VCF-style: chr2-179446628-C-CT.
Other names: c.39268+4dup (NM_003319.4); c.39844+4dup (NM_133437.4); c.39643+4dup (NM_133432.3); c.58759+4dup (NM_133378.4); c.61540+4dup (NM_001256850.1).
Identifiers: ClinVar variation 2947499 (VCV002947499.3), dbSNP rs2469005907, ClinGen allele CA2740096054.

ClinVar aggregate classification (germline): Uncertain significance (1 of 4 stars; one submission).

Conditions:
Dilated cardiomyopathy 1G (CMD1G). Identifiers: Orphanet 154, MedGen C1858763, MONDO:0011400, OMIM 604145.
Autosomal recessive limb-girdle muscular dystrophy type 2J (LGMDR10). Also called: Limb-girdle muscular dystrophy, type 2J; MUSCULAR DYSTROPHY, LIMB-GIRDLE, AUTOSOMAL RECESSIVE 10. Identifiers: Orphanet 140922, MedGen C1837342, MONDO:0012127, OMIM 608807.

Submission:

Labcorp Genetics (formerly Invitae), Labcorp
Classification: Uncertain significance for Dilated cardiomyopathy 1G; Autosomal recessive limb-girdle muscular dystrophy type 2J. Last evaluated: 2025-12-08. Review status: criteria provided, single submitter. Criteria: Invitae Variant Classification Sherloc (09022015). Collection method: clinical testing. Allele origin: germline.
Comment: This sequence change falls in intron 315 of the TTN gene. It does not directly change the encoded amino acid sequence of the TTN protein. It affects a nucleotide within the consensus splice site. This variant is not present in population databases (gnomAD no frequency). This variant has not been reported in the literature in individuals affected with TTN-related conditions. ClinVar contains an entry for this variant (Variation ID: 2947499). Experimental studies and prediction algorithms are not available or were not evaluated, and the functional significance of this variant is currently unknown. Variants that disrupt the consensus splice site are a relatively common cause of aberrant splicing (PMID: 17576681, 9536098). Algorithms developed to predict the effect of sequence changes on RNA splicing suggest that this variant may disrupt the consensus splice site. This variant is located in the A band of TTN (PMID: 25589632). Variants in this region may be relevant for cardiac or neuromuscular disorders (PMID: 25589632, 23975875). In summary, the available evidence is currently insufficient to determine the role of this variant in disease. Therefore, it has been classified as a Variant of Uncertain Significance.

Literature cited by the submitters: PubMed 17576681; PubMed 9536098; PubMed 25589632; PubMed 23975875.